The following is an entry in ClinVar:

NM_001126121.2(SLC25A19):c.470C>T (p.Thr157Met)

Gene: SLC25A19 (solute carrier family 25 member 19; minus strand). Cytogenetic location: 17q25.1.
Variant type: single nucleotide variant.
Coding change: c.470C>T on transcript NM_001126121.2 (MANE Select); coding-DNA position 470, C replaced by T.
Protein change: p.Thr157Met; replaces threonine 157 with methionine.
Molecular consequence: missense variant.
Genome position (GRCh38, 1-based): chr17:75,278,325, G>A on the plus strand (C>T on the coding strand, the complement: SLC25A19 is on the minus strand). VCF-style: chr17-75278325-G-A. GRCh37 (hg19) VCF-style: chr17-73274406-G-A.
Other names: c.470C>T, p.Thr157Met (NM_001126122.2, NM_021734.5); short protein forms T157M.
Identifiers: ClinVar variation 692004 (VCV000692004.1), dbSNP rs554218525, ClinGen allele CA401004216.

ClinVar aggregate classification (germline): Likely pathogenic (1 of 4 stars; one submission).

Conditions:
Amish lethal microcephaly (MCPHA). Also called: MICROCEPHALY, AMISH TYPE; THIAMINE METABOLISM DYSFUNCTION SYNDROME 3 (MICROCEPHALY TYPE). Identifiers: Orphanet 99742, MedGen C1846648, MONDO:0011790, OMIM 607196.

Allele frequency attached by ClinVar (database versions not stated): TOPMed 0.00001.
gnomAD v4.1: 12 of 1,613,946 alleles (0.00074%); highest among the groups gnomAD compares: East Asian, 0.0067%; no homozygotes.

Submission:

Rady Children's Institute for Genomic Medicine, Rady Children's Hospital San Diego
Classification: Likely pathogenic for MICROCEPHALY, AMISH TYPE. Last evaluated: 2018-01-12. Review status: criteria provided, single submitter. Criteria: ACMG Guidelines, 2015. Collection method: clinical testing. Allele origin: germline. Affected: yes. Observed: 1 variant allele.
Comment: This variant is a non-conservative amino acid substitution predicted by in silico methods to have a deleterious effect on protein function. The p.Thr157Met variant has not previously been reported in the literature or in clinical databases of pathogenic variants, thus there is no functional characterization of the impact this variant has on protein function. There is one report of the variant in gnomAD, a public database of genetic variation, thus it is presumed to be rare. Based on the combined evidence, the variant is classified as likely pathogenic.